The following is an entry in ClinVar:

NM_000051.4(ATM):c.5556A>G (p.Gln1852=)

Gene: ATM (ATM serine/threonine kinase; plus strand). Cytogenetic location: 11q22.3.
Variant type: single nucleotide variant.
Coding change: c.5556A>G on transcript NM_000051.4 (MANE Select); coding-DNA position 5556, A replaced by G.
Protein change: p.Gln1852=; no amino-acid change (glutamine 1852 retained).
Molecular consequence: synonymous variant.
Genome position (GRCh38, 1-based): chr11:108,304,734, A>G. VCF-style: chr11-108304734-A-G. GRCh37 (hg19) VCF-style: chr11-108175461-A-G.
Other names: c.5556A>G, p.Gln1852= (NM_001351834.2).
Identifiers: ClinVar variation 482724 (VCV000482724.6), dbSNP rs1555107364, ClinGen allele CA476675133.

ClinVar aggregate classification (germline): Conflicting classifications of pathogenicity. Review status: criteria provided, conflicting classifications (1 of 4 stars). 2 submissions from 2 submitters: Uncertain significance (1); Likely benign (1). Last evaluated 2026-01-21.

Conditions:
Hereditary cancer-predisposing syndrome. Also called: Hereditary neoplastic syndrome; Neoplastic Syndromes, Hereditary; Tumor predisposition; Hereditary Cancer Syndrome. Identifiers: Orphanet 140162, MedGen C0027672, MeSH D009386, MONDO:0015356.
Ataxia-telangiectasia syndrome (AT). Also called: LOUIS-BAR SYNDROME; Cerebello-oculocutaneous telangiectasia; Immunodeficiency with ataxia telangiectasia; AT, COMPLEMENTATION GROUP C; Ataxia-telangiectasia, complementation group D; ATAXIA-TELANGIECTASIA, COMPLEMENTATION GROUP A. Identifiers: Orphanet 100, MedGen C0004135, MONDO:0008840, OMIM 208900.

Allele frequency attached by ClinVar (database versions not stated): gnomAD 0.00001; TOPMed 0.00001.
gnomAD v4.1: 1 of 1,613,904 alleles (0.000062%); no homozygotes.

Submissions (2):

Labcorp Genetics (formerly Invitae), Labcorp
Classification: Uncertain significance for Ataxia-telangiectasia syndrome. Last evaluated: 2026-01-21. Review status: criteria provided, single submitter. Criteria: Invitae Variant Classification Sherloc (09022015). Collection method: clinical testing. Allele origin: germline.
Comment: This sequence change affects codon 1852 of the ATM mRNA. It is a 'silent' change, meaning that it does not change the encoded amino acid sequence of the ATM protein. This variant is not present in population databases (gnomAD no frequency). This variant has not been reported in the literature in individuals affected with ATM-related conditions. ClinVar contains an entry for this variant (Variation ID: 482724). Algorithms developed to predict the effect of sequence changes on RNA splicing suggest that this variant may disrupt the consensus splice site. In summary, the available evidence is currently insufficient to determine the role of this variant in disease. Therefore, it has been classified as a Variant of Uncertain Significance.

Ambry Genetics
Classification: Likely benign for Hereditary cancer-predisposing syndrome. Last evaluated: 2017-05-10. Review status: criteria provided, single submitter. Criteria: Ambry Variant Classification Scheme 2023. Collection method: clinical testing. Allele origin: germline.